The following is an entry in ClinVar:

ClinVar aggregate classification (germline): Uncertain significance (1 of 4 stars; one submission).

gnomAD v4.1: 1 of 1,614,084 alleles (0.000062%); highest among the groups gnomAD compares: Non-Finnish European, 0.000085%; no homozygotes.

Submission:

GeneDx
Classification: Uncertain significance. Last evaluated: 2025-06-04. Review status: criteria provided, single submitter. Criteria: GeneDx Variant Classification Process June 2021. Collection method: clinical testing. Allele origin: germline. Affected: yes.
Comment: Not observed at significant frequency in large population cohorts (gnomAD); In silico analysis supports that this missense variant has a deleterious effect on protein structure/function; Has not been previously published as pathogenic or benign to our knowledge

NM_000306.4(POU1F1):c.812G>A (p.Arg271Gln)

Gene: POU1F1 (POU class 1 homeobox 1; minus strand). Cytogenetic location: 3p11.2.
Variant type: single nucleotide variant.
Coding change: c.812G>A on transcript NM_000306.4 (MANE Select); coding-DNA position 812, G replaced by A.
Protein change: p.Arg271Gln; replaces arginine 271 with glutamine.
Molecular consequence: missense variant.
Genome position (GRCh38, 1-based): chr3:87,259,958, C>T on the plus strand (G>A on the coding strand, the complement: POU1F1 is on the minus strand). VCF-style: chr3-87259958-C-T. GRCh37 (hg19) VCF-style: chr3-87309108-C-T.
Other names: c.890G>A, p.Arg297Gln (NM_001122757.3); short protein forms R271Q, R297Q.
Identifiers: ClinVar variation 4536262 (VCV004536262.1).